The following is an entry in ClinVar:

ClinVar aggregate classification (germline): Benign. Review status: criteria provided, multiple submitters, no conflicts (2 of 4 stars). 4 submissions from 4 submitters: Benign (4). Last evaluated 2026-02-01.

Conditions:
X-linked sideroblastic anemia 1. Also called: X-linked pyridoxine-refractory sideroblastic anemia; ANEMIA, SIDEROBLASTIC, 1, PYRIDOXINE REFRACTORY; Anemia, hereditary sideroblastic 1, pyridoxine refractory; Erythroid 5-aminolevulinate synthase deficiency; X chromosome-linked sideroblastic anemia; Anemia, sideroblastic, 1. Identifiers: Orphanet 75563, MedGen C4551511, MONDO:0020721, OMIM 300751. Disease mechanism: loss of function.

Allele frequency attached by ClinVar (database versions not stated): gnomAD exomes 0.00064 and 0.00200; ExAC 0.00257; gnomAD 0.00613 and 0.00627; TOPMed 0.00716; 1000 Genomes Project 0.00927; 1000 Genomes Project 30x 0.00978; ESP Exome Variant Server 0.00824.
gnomAD v4.1: 1,489 of 1,207,109 alleles (0.12%); highest among the groups gnomAD compares: African/African-American, 2.1%; 13 homozygotes.

Submissions (4):

Labcorp Genetics (formerly Invitae), Labcorp
Classification: Benign. Last evaluated: 2026-02-01. Review status: criteria provided, single submitter. Criteria: Invitae Variant Classification Sherloc (09022015). Collection method: clinical testing. Allele origin: germline.

ARUP Laboratories, Molecular Genetics and Genomics, ARUP Laboratories
Classification: Benign. Last evaluated: 2024-05-01. Review status: criteria provided, single submitter. Criteria: ARUP Molecular Germline Variant Investigation Process 2024. Collection method: clinical testing. Allele origin: germline.

Illumina Laboratory Services, Illumina
Classification: Benign for X-linked sideroblastic anemia 1. Last evaluated: 2018-01-13. Review status: criteria provided, single submitter. Criteria: ICSL Variant Classification Criteria 13 December 2019. Collection method: clinical testing. Allele origin: germline.
Comment: This variant was observed in the ICSL laboratory as part of a predisposition screen in an ostensibly healthy population. It had not been previously curated by ICSL or reported in the Human Gene Mutation Database (HGMD: prior to June 1st, 2018), and was therefore a candidate for classification through an automated scoring system. Utilizing variant allele frequency, disease prevalence and penetrance estimates, and inheritance mode, an automated score was calculated to assess if this variant is too frequent to cause the disease. Based on the score and internal cut-off values, a variant classified as benign is not then subjected to further curation. The score for this variant resulted in a classification of benign for this disease.

GeneDx
Classification: Benign. Last evaluated: 2014-01-18. Review status: criteria provided, single submitter. Criteria: GeneDx Variant Classification (06012015). Collection method: clinical testing. Allele origin: germline. Affected: yes.
Comment: This variant is considered likely benign or benign based on one or more of the following criteria: it is a conservative change, it occurs at a poorly conserved position in the protein, it is predicted to be benign by multiple in silico algorithms, and/or has population frequency not consistent with disease.

NM_000032.5(ALAS2):c.824-15C>T

Gene: ALAS2 (5'-aminolevulinate synthase 2; minus strand). Cytogenetic location: Xp11.21.
Variant type: single nucleotide variant.
Coding change: c.824-15C>T on transcript NM_000032.5 (MANE Select); 15 bases into the intron before coding-DNA position 824, C replaced by T.
Molecular consequence: intron variant.
Genome position (GRCh38, 1-based): chrX:55,017,680, G>A on the plus strand (C>T on the coding strand, the complement: ALAS2 is on the minus strand). VCF-style: chrX-55017680-G-A. GRCh37 (hg19) VCF-style: chrX-55044113-G-A.
Other names: c.824-15C>T (LRG_1163t1); c.713-15C>T (NM_001037967.4); c.785-15C>T (NM_001037968.4).
Identifiers: ClinVar variation 136351 (VCV000136351.13), dbSNP rs727467, ClinGen allele CA289373.